The following is an entry in ClinVar:

ClinVar aggregate classification (germline): Pathogenic (1 of 4 stars; one submission).

Conditions:
Duchenne muscular dystrophy (DMD). Also called: Duchenne Muscular Dystrophy (DMD); MUSCULAR DYSTROPHY, PSEUDOHYPERTROPHIC PROGRESSIVE, DUCHENNE TYPE. Identifiers: Orphanet 98896, MedGen C0013264, MONDO:0010679, OMIM 310200.

Submission:

Broad Center for Mendelian Genomics, Broad Institute of MIT and Harvard
Classification: Pathogenic for Duchenne muscular dystrophy. Last evaluated: 2023-08-24. Review status: criteria provided, single submitter. Criteria: ACMG/ClinGen CNV Guidelines, 2019. Collection method: research. Allele origin: de novo. Inheritance: X-linked inheritance. Affected: yes.
Comment: The presence of this deletion was validated by targeted chromosomal microarray of the DMD gene. These breakpoints have been estimated by exome sequencing only and therefore may not reflect the true breakpoints. The patient phenotype is nonspecific, but is consistent with cases described in the literature and/or published databases with overlapping variants. This intragenic variant is predicted to cause a frameshift, which alters the protein’s amino acid sequence beginning at exon 2 and leads to a premature termination codon. This alteration is then predicted to lead to a truncated or absent protein. Loss of function of DMD is an established disease mechanism in X-linked Duchenne muscular dystrophy. In summary, this variant meets criteria to be classified as pathogenic for X-linked Duchenne muscular dystrophy. The ACMG/ClinGen evidence codes and points used in this curation are as follows: 1: 0 points, 2: 0.90 points, 3: 0 points, 4-5: 0.15 points; Total: 1.05 points; Riggs 2020 (PMID: 31690835).

GRCh38/hg38 Xp21.1(chrX:32216792-33041819)x0

Genes: DMD (dystrophin; minus strand), MIR3915 (microRNA 3915; minus strand), MIR548F5 (microRNA 548f-5; minus strand). Cytogenetic location: Xp21.1.
Variant type: copy number loss.
Change: copy number 0 of chrX:32,216,792-33,041,819 (825.0 kb, GRCh38 coordinates, 1-based), cytogenetic band Xp21.1.
Identifiers: ClinVar variation 2579257 (VCV002579257.1).